The following is an entry in ClinVar:

NM_000212.3(ITGB3):c.842A>C (p.His281Pro)

Genes: ITGB3 (integrin subunit beta 3; plus strand), LOC130061045 (ATAC-STARR-seq lymphoblastoid active region 12309; plus strand). Cytogenetic location: 17q21.32.
Variant type: single nucleotide variant.
Coding change: c.842A>C on transcript NM_000212.3 (MANE Select); coding-DNA position 842, A replaced by C.
Protein change: p.His281Pro; replaces histidine 281 with proline.
Molecular consequence: missense variant.
Genome position (GRCh38, 1-based): chr17:47,287,134, A>C. VCF-style: chr17-47287134-A-C. GRCh37 (hg19) VCF-style: chr17-45364500-A-C.
Other names: NM_000212.3:c.842A>C; short protein forms H281P.
Identifiers: ClinVar variation 1330335 (VCV001330335.2), dbSNP rs2143098907, ClinGen allele CA400024802.

ClinVar aggregate classification (germline): Likely pathogenic (3 of 4 stars; one submission).

Conditions:
Glanzmann thrombasthenia. Also called: THROMBASTHENIA OF GLANZMANN AND NAEGELI; BLEEDING DISORDER, PLATELET-TYPE, 2; Thrombasthenia; PLATELET GLYCOPROTEIN IIb-IIIa DEFICIENCY; Glanzmann's thrombasthenia. Identifiers: Orphanet 849, MedGen C0040015, MONDO:0100326.

Submission:

ClinGen Platelet Disorders Variant Curation Expert Panel, ClinGen
Classification: Likely pathogenic for Glanzmann thrombasthenia. Last evaluated: 2024-08-20. Review status: reviewed by expert panel. Criteria: ClinGen Platelet ACMG Specifications v2-1. Collection method: curation. Allele origin: germline. Inheritance: Autosomal recessive inheritance.
Comment: The NM_000212.3(ITGB3):c.842A>C (p.His281Pro) missense variant has been identified in at least 1 probands, GT11 of PMID: 29675921 meeting the criteria for PP4_strong; including mucocutaneous bleeding, impaired aggregation with all agonists except ristocetin, and reduced surface expression of αIIbβ3 measured by flow cytometry. ITGA2B and ITGB3 were sequenced across all exons and intron/exon boundaries. GT11 of PMID: 29675921 is compound heterozygous for His281Pro and Cys400Tyr (classified Pathogenic by the PD-VCEP; PM3_Supporting) without confirmation of phasing . This variant is absent from gnomAD v4.1.0 (PM2_Supporting). The computational predictor REVEL gives a score of 0.988, which predicts a damaging effect on ITGB3 function (PP3). In summary, this variant meets the criteria to be classified as Likely Pathogenic for autosomal recessive Glanzmann Thrombasthenia based on the ACMG/AMP criteria applied, as specified by the ClinGen PD VCEP: PM2_supporting, PP3, PP4_strong, PM3_supporting. (VCEP specifications version 2; date of approval xx/xx/xxxx)